The following is an entry in ClinVar:

ClinVar aggregate classification (germline): Likely benign. Review status: criteria provided, single submitter (1 of 4 stars). 2 submissions from 2 submitters: Likely benign (1). 1 of the submissions does not count toward it. Last evaluated 2025-06-27.

Conditions:
ACE-related disorder. Also called: ACE-related disorders; ACE-related condition.

Allele frequency attached by ClinVar (database versions not stated): gnomAD 0.00001; gnomAD exomes 0.00004; ExAC 0.00005; TOPMed 0.00005; 1000 Genomes Project 30x 0.00016.
gnomAD v4.1: 65 of 1,611,294 alleles (0.004%); highest among the groups gnomAD compares: Middle Eastern, 0.019%; no homozygotes.

Submissions (2):

Labcorp Genetics (formerly Invitae), Labcorp
Classification: Likely benign. Last evaluated: 2025-06-27. Review status: criteria provided, single submitter. Criteria: Invitae Variant Classification Sherloc (09022015). Collection method: clinical testing. Allele origin: germline.

PreventionGenetics, part of Exact Sciences
Classification: Likely benign for ACE-related condition. Last evaluated: 2019-03-06. Review status: no assertion criteria provided. Collection method: clinical testing. Allele origin: germline. Not counted in ClinVar's aggregate classification.
Comment: This variant is classified as likely benign based on ACMG/AMP sequence variant interpretation guidelines (Richards et al. 2015 PMID: 25741868, with internal and published modifications).

NM_000789.4(ACE):c.1911G>A (p.Pro637=)

Gene: ACE (angiotensin I converting enzyme; plus strand). Cytogenetic location: 17q23.3.
Variant type: single nucleotide variant.
Coding change: c.1911G>A on transcript NM_000789.4 (MANE Select); coding-DNA position 1911, G replaced by A.
Protein change: p.Pro637=; no amino-acid change (proline 637 retained).
Molecular consequence: synonymous variant.
Genome position (GRCh38, 1-based): chr17:63,484,531, G>A. VCF-style: chr17-63484531-G-A. GRCh37 (hg19) VCF-style: chr17-61561892-G-A.
Other names: c.1344G>A, p.Pro448= (NM_001382700.1); c.1059G>A, p.Pro353= (NM_001382701.1); c.1911G>A (NM_000789.3).
Identifiers: ClinVar variation 2897968 (VCV002897968.5), dbSNP rs200255554, ClinGen allele CA8699728.